The following is an entry in ClinVar:

NM_001244008.2(KIF1A):c.484A>G (p.Asn162Asp)

Gene: KIF1A (kinesin family member 1A; minus strand). Cytogenetic location: 2q37.3.
Variant type: single nucleotide variant.
Coding change: c.484A>G on transcript NM_001244008.2 (MANE Select); coding-DNA position 484, A replaced by G.
Protein change: p.Asn162Asp; replaces asparagine 162 with aspartic acid.
Molecular consequence: missense variant.
Genome position (GRCh38, 1-based): chr2:240,786,459, T>C on the plus strand (A>G on the coding strand, the complement: KIF1A is on the minus strand). VCF-style: chr2-240786459-T-C. GRCh37 (hg19) VCF-style: chr2-241725876-T-C.
Other names: c.484A>G, p.Asn162Asp (NM_001320705.2, NM_001330289.2, NM_001330290.2 and 20 more transcripts); short protein forms N162D.
Identifiers: ClinVar variation 1472962 (VCV001472962.8), dbSNP rs2126071649, ClinGen allele CA351306626.

ClinVar aggregate classification (germline): Uncertain significance (1 of 4 stars; one submission).

Conditions:
Hereditary spastic paraplegia 30. Identifiers: Orphanet 101010, MedGen C5235139, MONDO:0012476.
Neuropathy, hereditary sensory, type 2C. Also called: KIF1A-Related HSAN2 (HSAN2C); Hereditary sensory and autonomic neuropathy type IIC. Identifiers: Orphanet 970, MedGen C3280168, MONDO:0013634, OMIM 614213.
Intellectual disability, autosomal dominant 9 (NESCAVS). Also called: KIF1A-Related Neurodevelopmental Disorder; NESCAV SYNDROME. Identifiers: Orphanet 662367, MedGen C5393830, MONDO:0013656, OMIM 614255.

Submission:

Labcorp Genetics (formerly Invitae), Labcorp
Classification: Uncertain significance for Hereditary spastic paraplegia 30; Neuropathy, hereditary sensory, type 2C; Intellectual disability, autosomal dominant 9. Last evaluated: 2022-01-14. Review status: criteria provided, single submitter. Criteria: Invitae Variant Classification Sherloc (09022015). Collection method: clinical testing. Allele origin: germline.
Comment: This variant is not present in population databases (gnomAD no frequency). This sequence change replaces asparagine, which is neutral and polar, with aspartic acid, which is acidic and polar, at codon 162 of the KIF1A protein (p.Asn162Asp). This variant has not been reported in the literature in individuals affected with KIF1A-related conditions. Advanced modeling of protein sequence and biophysical properties (such as structural, functional, and spatial information, amino acid conservation, physicochemical variation, residue mobility, and thermodynamic stability) performed at Invitae indicates that this missense variant is expected to disrupt KIF1A protein function. In summary, the available evidence is currently insufficient to determine the role of this variant in disease. Therefore, it has been classified as a Variant of Uncertain Significance.